The following is an entry in ClinVar:

NM_004385.5(VCAN):c.4004-2A>T

Genes: VCAN (versican; plus strand), VCAN-AS1 (VCAN antisense RNA 1; minus strand). Cytogenetic location: 5q14.3.
Variant type: single nucleotide variant.
Coding change: c.4004-2A>T on transcript NM_004385.5 (MANE Select); the canonical splice acceptor site of the intron before coding-DNA position 4004, A replaced by T.
Molecular consequence: splice acceptor variant. On other transcripts: intron variant (2).
Genome position (GRCh38, 1-based): chr5:83,537,005, A>T. VCF-style: chr5-83537005-A-T. GRCh37 (hg19) VCF-style: chr5-82832824-A-T.
Other names: IVS7AS, A-T, -2; c.4004-8532A>T (NM_001164098.2); c.1043-2A>T (NM_001164097.2); c.1043-8532A>T (NM_001126336.3).
Identifiers: ClinVar variation 41877 (VCV000041877.7), dbSNP rs80356555, ClinGen allele CA344472.

ClinVar aggregate classification (germline): Pathogenic. Review status: criteria provided, single submitter (1 of 4 stars). 3 submissions from 3 submitters: Pathogenic (1). 2 of the submissions do not count toward it. Last evaluated 2024-12-02.

Conditions:
Wagner disease. Also called: WAGNER SYNDROME 1; Wagner syndrome; WAGNER VITREORETINOPATHY; HYALOIDEORETINAL DEGENERATION OF WAGNER; WAGNER VITREORETINAL DEGENERATION; Wagner Vitreoretinal Degeneration (Wagner Synrdome). Identifiers: Orphanet 898, MedGen C1840452, MONDO:0007740, OMIM 143200.

Submissions (3):

Labcorp Genetics (formerly Invitae), Labcorp
Classification: Pathogenic. Last evaluated: 2024-12-02. Review status: criteria provided, single submitter. Criteria: Invitae Variant Classification Sherloc (09022015). Collection method: clinical testing. Allele origin: germline.
Comment: This sequence change affects an acceptor splice site in intron 7 of the VCAN gene. RNA analysis indicates that disruption of this splice site induces altered splicing and likely results in the loss of 13 amino acid residue(s), but is expected to preserve the integrity of the reading-frame. This variant is not present in population databases (gnomAD no frequency). Disruption of this splice site has been observed in individuals with Wagner syndrome (PMID: 16043844, 21738396). It has also been observed to segregate with disease in related individuals. ClinVar contains an entry for this variant (Variation ID: 41877). Studies have shown that disruption of this splice site results in the activation of a cryptic splice site in exon 8 (PMID: 16043844, 21738396). For these reasons, this variant has been classified as Pathogenic.

OMIM
Classification: Pathogenic for WAGNER VITREORETINOPATHY. Last evaluated: 2011-01-01. Review status: no assertion criteria provided. Collection method: literature only. Allele origin: germline. Not counted in ClinVar's aggregate classification.

GeneReviews
No classification provided. Condition: Wagner disease. Review status: no classification provided. Collection method: literature only. Allele origin: germline. Affected: yes. Not counted in ClinVar's aggregate classification.

Literature cited by the submitters: PubMed 16043844 (cited by Labcorp Genetics (formerly Invitae), Labcorp); PubMed 21738396 (cited by 3 submitters); NCBI Bookshelf NBK3821 (cited by GeneReviews).